The following is an entry in ClinVar:

NM_001110556.2(FLNA):c.929G>T (p.Ser310Ile)

Gene: FLNA (filamin A; minus strand). Cytogenetic location: Xq28.
Variant type: single nucleotide variant.
Coding change: c.929G>T on transcript NM_001110556.2 (MANE Select); coding-DNA position 929, G replaced by T.
Protein change: p.Ser310Ile; replaces serine 310 with isoleucine.
Molecular consequence: missense variant.
Genome position (GRCh38, 1-based): chrX:154,366,790, C>A on the plus strand (G>T on the coding strand, the complement: FLNA is on the minus strand). VCF-style: chrX-154366790-C-A. GRCh37 (hg19) VCF-style: chrX-153595158-C-A.
Other names: c.929G>T, p.Ser310Ile (NM_001456.4); short protein forms S310I.
Identifiers: ClinVar variation 3906831 (VCV003906831.1).

ClinVar aggregate classification (germline): Uncertain significance (1 of 4 stars; one submission).

Submission:

GeneDx
Classification: Uncertain significance. Last evaluated: 2024-12-17. Review status: criteria provided, single submitter. Criteria: GeneDx Variant Classification Process June 2021. Collection method: clinical testing. Allele origin: germline. Affected: yes.
Comment: Not observed at significant frequency in large population cohorts (gnomAD); In silico analysis supports that this missense variant has a deleterious effect on protein structure/function; Has not been previously published as pathogenic or benign to our knowledge